The following is an entry in ClinVar:

ClinVar aggregate classification (germline): Uncertain significance (1 of 4 stars; one submission).

Conditions:
Hereditary cancer-predisposing syndrome. Also called: Tumor predisposition; Neoplastic Syndromes, Hereditary; Hereditary neoplastic syndrome; Hereditary Cancer Syndrome. Identifiers: Orphanet 140162, MedGen C0027672, MeSH D009386, MONDO:0015356.

Submission:

Ambry Genetics
Classification: Uncertain significance for Hereditary cancer-predisposing syndrome. Last evaluated: 2024-10-23. Review status: criteria provided, single submitter. Criteria: Ambry Variant Classification Scheme 2023. Collection method: clinical testing. Allele origin: germline.
Comment: The p.V95F variant (also known as c.283G>T), located in coding exon 2 of the TMEM127 gene, results from a G to T substitution at nucleotide position 283. The valine at codon 95 is replaced by phenylalanine, an amino acid with highly similar properties. This amino acid position is conserved. In addition, this alteration is predicted to be deleterious by in silico analysis. Based on the available evidence, the clinical significance of this variant remains unclear.

NM_017849.4(TMEM127):c.283G>T (p.Val95Phe)

Gene: TMEM127 (transmembrane protein 127; minus strand). Cytogenetic location: 2q11.2.
Variant type: single nucleotide variant.
Coding change: c.283G>T on transcript NM_017849.4 (MANE Select); coding-DNA position 283, G replaced by T.
Protein change: p.Val95Phe; replaces valine 95 with phenylalanine.
Molecular consequence: missense variant.
Genome position (GRCh38, 1-based): chr2:96,254,959, C>A on the plus strand (G>T on the coding strand, the complement: TMEM127 is on the minus strand). VCF-style: chr2-96254959-C-A. GRCh37 (hg19) VCF-style: chr2-96920697-C-A.
Other names: c.283G>T, p.Val95Phe (NM_001193304.3); c.31G>T, p.Val11Phe (NM_001407282.1, NM_001407283.1); short protein forms V95F, V11F.
Identifiers: ClinVar variation 3457590 (VCV003457590.1).